The following is an entry in ClinVar:

ClinVar aggregate classification (germline): Benign. Review status: reviewed by expert panel (3 of 4 stars). 39 submissions from 39 submitters: Benign (1). 38 of the submissions do not count toward it. Last evaluated 2015-08-10.
ClinVar aggregate classification (somatic clinical impact): Tier IV - Benign/Likely benign (0 of 4 stars; one submission).

Conditions:
BRCA1-related cancer predisposition. Identifiers: MedGen CN377757, MONDO:0700268.
Breast-ovarian cancer, familial, susceptibility to, 1 (BROVCA1). Also called: BRCA1 Hereditary Breast and Ovarian Cancer; OVARIAN CANCER, SUSCEPTIBILITY TO. Identifiers: Orphanet 145, MedGen C2676676, MONDO:0011450, OMIM 604370. Disease mechanism: loss of function.
Fanconi anemia, complementation group S (FANCS). Identifiers: MedGen C4554406, MONDO:0054748, OMIM 617883.
Pancreatic cancer, susceptibility to, 4. Identifiers: Orphanet 1333, MedGen C3280442, MONDO:0013685, OMIM 614320.
Familial cancer of breast. Also called: Hereditary breast cancer; BREAST CANCER, FAMILIAL; hereditary breast carcinoma. Identifiers: Orphanet 227535, MedGen C0346153, MONDO:0016419, OMIM 114480. Disease mechanism: loss of function.
Hereditary cancer-predisposing syndrome. Also called: Neoplastic Syndromes, Hereditary; Tumor predisposition; Hereditary Cancer Syndrome; Hereditary neoplastic syndrome. Identifiers: Orphanet 140162, MedGen C0027672, MeSH D009386, MONDO:0015356.
Hereditary breast ovarian cancer syndrome. Also called: Hereditary breast and ovarian cancer; Hereditary breast and ovarian cancer syndrome; Hereditary breast and ovarian cancer syndrome (HBOC); Hereditary breast and/or ovarian cancer syndrome; Breast and ovarian cancer; BRCA1- and BRCA2-Associated Hereditary Breast and Ovarian Cancer. Identifiers: Orphanet 145, MedGen C0677776, MeSH D061325, MONDO:0003582. Disease mechanism: loss of function.
Breast carcinoma. Also called: Carcinoma of breast. Identifiers: MedGen C0678222, MONDO:0004989, HP:0003002.

Allele frequency attached by ClinVar (database versions not stated): ESP Exome Variant Server 0.49316; ExAC 0.41005; TOPMed 0.49661; 1000 Genomes Project 0.54393; 1000 Genomes Project 30x 0.54919.
gnomAD v4.1: 606,755 of 1,613,362 alleles (38%); highest among the groups gnomAD compares: African/African-American, 82%; 124,333 homozygotes.

Submissions 1 to 18 of 40:

Evidence-based Network for the Interpretation of Germline Mutant Alleles (ENIGMA)
Classification: Benign for Breast-ovarian cancer, familial 1. Last evaluated: 2015-08-10. Review status: reviewed by expert panel. Criteria: ENIGMA BRCA1/2 Classification Criteria (2015). Collection method: curation. Allele origin: germline.
Comment: IARC class based on posterior probability from multifactorial likelihood analysis, thresholds for class as per Plon et al. 2008 (PMID: 18951446). Class 1 based on posterior probability = 0.00000000000204. Also class 1 based on frequency >1% in an outbred sampleset. Frequency 0.3304 (Asian), 0.1362 (African), 0.3654 (European), derived from 1000 genomes (2012-04-30).

Labcorp Genetics (formerly Invitae), Labcorp
Classification: Benign for Hereditary breast ovarian cancer syndrome. Last evaluated: 2026-02-04. Review status: criteria provided, single submitter. Criteria: Invitae Variant Classification Sherloc (09022015). Collection method: clinical testing. Allele origin: germline. Not counted in ClinVar's aggregate classification.

ARUP Laboratories, Molecular Genetics and Genomics, ARUP Laboratories
Classification: Benign. Last evaluated: 2025-07-31. Review status: criteria provided, single submitter. Criteria: ARUP Molecular Germline Variant Investigation Process 2024. Collection method: clinical testing. Allele origin: germline. Not counted in ClinVar's aggregate classification.

Blueprint Genetics
Classification: Benign. Last evaluated: 2024-11-28. Review status: criteria provided, single submitter. Criteria: ACMG Guidelines, 2015. Collection method: clinical testing. Allele origin: germline. Not counted in ClinVar's aggregate classification.

All of Us Research Program, National Institutes of Health
Classification: Benign for BRCA1-related cancer predisposition. Last evaluated: 2024-10-03. Review status: criteria provided, single submitter. Criteria: ACMG Guidelines, 2015. Collection method: clinical testing. Allele origin: germline. Inheritance: Autosomal dominant inheritance. Observed: 86,436 variant alleles, 63,020 heterozygotes, 23,394 homozygotes, 22 hemizygotes. Not counted in ClinVar's aggregate classification.
Comment: This study involves interpretation of variants in research participants for the purpose of population health screening. Participant phenotype was not available at the time of variant classification. Additional details can be found in publication PMID: 35346344, PMCID: PMC8962531

KCCC/NGS Laboratory, Kuwait Cancer Control Center
Classification: Benign for Breast-ovarian cancer, familial, susceptibility to, 1. Last evaluated: 2023-07-07. Review status: criteria provided, single submitter. Criteria: ACMG Guidelines, 2015. Collection method: clinical testing. Allele origin: germline. Affected: yes. Not counted in ClinVar's aggregate classification.

Fulgent Genetics
Classification: Benign for Familial cancer of breast; Breast-ovarian cancer, familial, susceptibility to, 1; Pancreatic cancer, susceptibility to, 4; Fanconi anemia, complementation group S. Last evaluated: 2022-05-06. Review status: criteria provided, single submitter. Criteria: ACMG Guidelines, 2015. Collection method: clinical testing. Allele origin: unknown. Not counted in ClinVar's aggregate classification.

National Health Laboratory Service, Universitas Academic Hospital and University of the Free State
Classification: Benign for Hereditary breast ovarian cancer syndrome. Last evaluated: 2022-04-19. Review status: criteria provided, single submitter. Criteria: ACMG Guidelines, 2015. Collection method: clinical testing. Allele origin: germline. Affected: yes. Observed: 1,211 variant alleles. Not counted in ClinVar's aggregate classification.

Color Diagnostics, LLC DBA Color Health
Classification: Benign for Hereditary cancer-predisposing syndrome. Last evaluated: 2022-01-02. Review status: criteria provided, single submitter. Criteria: ACMG Guidelines, 2015. Collection method: clinical testing. Allele origin: germline. Not counted in ClinVar's aggregate classification.

Genetics Program, Instituto Nacional de Cancer
Classification: Benign for Hereditary breast ovarian cancer syndrome. Last evaluated: 2021-11-01. Review status: criteria provided, single submitter. Criteria: ACMG Guidelines, 2015. Collection method: research. Allele origin: germline. Affected: yes. Not counted in ClinVar's aggregate classification.

Genomic Research Center, Shahid Beheshti University of Medical Sciences
Classification: Benign for Familial cancer of breast. Last evaluated: 2020-05-03. Review status: criteria provided, single submitter. Criteria: ACMG Guidelines, 2015. Collection method: clinical testing. Allele origin: unknown. Affected: yes. Not counted in ClinVar's aggregate classification.

Sema4
Classification: Benign for Hereditary cancer-predisposing syndrome. Last evaluated: 2019-12-11. Review status: criteria provided, single submitter. Criteria: Sema4 Curation Guidelines. Collection method: curation. Allele origin: germline. Not counted in ClinVar's aggregate classification.

Mendelics
Classification: Benign for Breast-ovarian cancer, familial, susceptibility to, 1. Last evaluated: 2019-05-28. Review status: criteria provided, single submitter. Criteria: Mendelics Assertion Criteria 2017. Collection method: clinical testing. Allele origin: unknown. Not counted in ClinVar's aggregate classification.

Center for Medical Genomics, Faculty of Medicine, Ramathibodi Hospital, Mahidol University
Classification: Benign for Breast carcinoma. Last evaluated: 2019-04-22. Review status: criteria provided, single submitter. Criteria: ACMG Guidelines, 2015. Collection method: clinical testing. Allele origin: germline. Affected: yes. Not counted in ClinVar's aggregate classification.

Illumina Laboratory Services, Illumina
Classification: Benign for Breast-ovarian cancer, familial, susceptibility to, 1. Last evaluated: 2018-03-06. Review status: criteria provided, single submitter. Criteria: ICSL Variant Classification Criteria 13 December 2019. Collection method: clinical testing. Allele origin: germline. Not counted in ClinVar's aggregate classification.
Comment: This variant was observed in the ICSL laboratory as part of a predisposition screen in an ostensibly healthy population. It had not been previously curated by ICSL or reported in the Human Gene Mutation Database (HGMD: prior to June 1st, 2018), and was therefore a candidate for classification through an automated scoring system. Utilizing variant allele frequency, disease prevalence and penetrance estimates, and inheritance mode, an automated score was calculated to assess if this variant is too frequent to cause the disease. Based on the score and internal cut-off values, a variant classified as benign is not then subjected to further curation. The score for this variant resulted in a classification of benign for this disease.

GeneKor MSA
Classification: Benign. Last evaluated: 2017-11-01. Review status: criteria provided, single submitter. Criteria: ACMG Guidelines, 2015. Collection method: clinical testing. Allele origin: germline. Affected: yes. Not counted in ClinVar's aggregate classification.

IntelligeneCG
Classification: Benign for Breast-ovarian cancer, familial, susceptibility to, 1. Last evaluated: 2017-08-18. Review status: criteria provided, single submitter. Criteria: ACMG Guidelines, 2015. Collection method: clinical testing. Allele origin: germline. Affected: no. Not counted in ClinVar's aggregate classification.

Cancer Genetics and Genomics Laboratory, British Columbia Cancer Agency
Classification: Benign. Last evaluated: 2017-04-18. Review status: criteria provided, single submitter. Criteria: ACMG Guidelines, 2015. Collection method: clinical testing. Allele origin: germline. Study: The Canadian Open Genetics Repository (COGR). Not counted in ClinVar's aggregate classification.

NM_007294.4(BRCA1):c.2612C>T (p.Pro871Leu)

Gene: BRCA1 (BRCA1 DNA repair associated; minus strand). Cytogenetic location: 17q21.31.
Variant type: single nucleotide variant.
Coding change: c.2612C>T on transcript NM_007294.4 (MANE Select); coding-DNA position 2612, C replaced by T.
Protein change: p.Pro871Leu; replaces proline 871 with leucine.
Molecular consequence: missense variant. On other transcripts: intron variant (137).
Genome position (GRCh38, 1-based): chr17:43,092,919, G>A on the plus strand (C>T on the coding strand, the complement: BRCA1 is on the minus strand). VCF-style: chr17-43092919-G-A. GRCh37 (hg19) VCF-style: chr17-41244936-G-A.
Other names: 2731C>T; c.787+1825C>T (NM_001407974.1, NM_001407973.1, NM_001408403.1 and 17 more transcripts); c.788-780C>T (NM_001407969.1, NM_001407968.1); c.577+1825C>T (NM_001408492.1, NM_001408513.1, NM_001408489.1 and 9 more transcripts); c.643+1825C>T (NM_001408468.1, NM_001408465.1, NM_001408463.1 and 3 more transcripts); c.523+1825C>T (NM_001408501.1, NM_001408500.1, NM_001408497.1 and 3 more transcripts); c.646+1825C>T (NM_001408455.1, NM_001408466.1, NM_001408452.1 and 11 more transcripts); c.520+1825C>T (NM_001408503.1, NM_001408505.1, NM_001408504.1); and 42 more; short protein forms P871L, P824L, P703L, P743L, P801L, P803L, P845L, P744L.
Identifiers: ClinVar variation 41812 (VCV000041812.97), dbSNP rs799917, ClinGen allele CA001721.